The following is an entry in ClinVar:

NM_000435.3(NOTCH3):c.298G>A (p.Gly100Ser)

Gene: NOTCH3 (notch receptor 3; minus strand). Cytogenetic location: 19p13.12.
Variant type: single nucleotide variant.
Coding change: c.298G>A on transcript NM_000435.3 (MANE Select); coding-DNA position 298, G replaced by A.
Protein change: p.Gly100Ser; replaces glycine 100 with serine.
Molecular consequence: missense variant.
Genome position (GRCh38, 1-based): chr19:15,192,419, C>T on the plus strand (G>A on the coding strand, the complement: NOTCH3 is on the minus strand). VCF-style: chr19-15192419-C-T. GRCh37 (hg19) VCF-style: chr19-15303230-C-T.
Other names: c.298G>A (NM_000435.2); short protein forms G100S.
Identifiers: ClinVar variation 1709163 (VCV001709163.4), dbSNP rs369361948, ClinGen allele CA9263938.

ClinVar aggregate classification (germline): Uncertain significance. Review status: criteria provided, multiple submitters, no conflicts (2 of 4 stars). 3 submissions from 3 submitters: Uncertain significance (3). Last evaluated 2025-03-19.

Conditions:
NOTCH3-related disorder. Also called: NOTCH3-related disorders; NOTCH3-related condition.
Cerebral arteriopathy, autosomal dominant, with subcortical infarcts and leukoencephalopathy, type 1 (CADASIL1). Also called: CADASIL 1; DEMENTIA, HEREDITARY MULTIINFARCT TYPE; CASIL; Cerebral arteriopathy with subcortical infarcts and leukoencephalopathy 1. Identifiers: Orphanet 136, MedGen C4551768, MONDO:0000914, OMIM 125310.

Allele frequency attached by ClinVar (database versions not stated): gnomAD exomes below 0.00001; ExAC 0.00001; gnomAD 0.00002; ESP Exome Variant Server 0.00008; TOPMed 0.00009.
gnomAD v4.1: 14 of 1,612,266 alleles (0.00087%); highest among the groups gnomAD compares: Non-Finnish European, 0.00059%; no homozygotes.

Submissions (3):

PreventionGenetics, part of Exact Sciences
Classification: Uncertain significance for NOTCH3-related condition. Last evaluated: 2025-03-19. Review status: criteria provided, single submitter. Criteria: ACMG Guidelines, 2015. Collection method: clinical testing. Allele origin: germline.
Comment: The NOTCH3 c.298G>A variant is predicted to result in the amino acid substitution p.Gly100Ser. To our knowledge, this variant has not been reported in the literature. This variant is reported in 0.0016% of alleles in individuals of European (Non-Finnish) descent in gnomAD. At this time, the clinical significance of this variant is uncertain due to the absence of conclusive functional and genetic evidence.

Labcorp Genetics (formerly Invitae), Labcorp
Classification: Uncertain significance. Last evaluated: 2025-02-11. Review status: criteria provided, single submitter. Criteria: Invitae Variant Classification Sherloc (09022015). Collection method: clinical testing. Allele origin: germline.
Comment: This sequence change replaces glycine, which is neutral and non-polar, with serine, which is neutral and polar, at codon 100 of the NOTCH3 protein (p.Gly100Ser). This variant is present in population databases (rs369361948, gnomAD 0.002%). This variant has not been reported in the literature in individuals affected with NOTCH3-related conditions. ClinVar contains an entry for this variant (Variation ID: 1709163). Invitae Evidence Modeling of protein sequence and biophysical properties (such as structural, functional, and spatial information, amino acid conservation, physicochemical variation, residue mobility, and thermodynamic stability) indicates that this missense variant is not expected to disrupt NOTCH3 protein function with a negative predictive value of 95%. In summary, the available evidence is currently insufficient to determine the role of this variant in disease. Therefore, it has been classified as a Variant of Uncertain Significance.

MGZ Medical Genetics Center
Classification: Uncertain significance for Cerebral arteriopathy, autosomal dominant, with subcortical infarcts and leukoencephalopathy, type 1. Last evaluated: 2022-02-16. Review status: criteria provided, single submitter. Criteria: ACMG Guidelines, 2015. Collection method: clinical testing. Allele origin: germline. Affected: yes. Observed: 1 variant allele.
Comment: ACMG criteria applied: PM2_SUP, PP3